The following is an entry in ClinVar:

NM_001378120.1(MBD5):c.1504C>T (p.Pro502Ser)

Gene: MBD5 (methyl-CpG binding domain protein 5; plus strand). Cytogenetic location: 2q23.1.
Variant type: single nucleotide variant.
Coding change: c.1504C>T on transcript NM_001378120.1 (MANE Select); coding-DNA position 1504, C replaced by T.
Protein change: p.Pro502Ser; replaces proline 502 with serine.
Molecular consequence: missense variant.
Genome position (GRCh38, 1-based): chr2:148,469,447, C>T. VCF-style: chr2-148469447-C-T. GRCh37 (hg19) VCF-style: chr2-149227016-C-T.
Other names: c.1504C>T, p.Pro502Ser (NM_018328.5); short protein forms P502S.
Identifiers: ClinVar variation 2637786 (VCV002637786.1), dbSNP rs2469865961, ClinGen allele CA348719825.

ClinVar aggregate classification (germline): Uncertain significance (1 of 4 stars; one submission).

Submission:

Women's Health and Genetics/Laboratory Corporation of America, LabCorp
Classification: Uncertain significance. Last evaluated: 2023-10-17. Review status: criteria provided, single submitter. Criteria: LabCorp Variant Classification Summary - May 2015. Collection method: clinical testing. Allele origin: germline.
Comment: Variant summary: MBD5 c.1504C>T (p.Pro502Ser) results in a non-conservative amino acid change in the encoded protein sequence. Three of five in-silico tools predict a damaging effect of the variant on protein function. The variant was absent in 250184 control chromosomes (gnomAD). The available data on variant occurrences in the general population are insufficient to allow any conclusion about variant significance. To our knowledge, no occurrence of c.1504C>T in individuals affected with MBD5 Associated Neurodevelopmental Disorder and no experimental evidence demonstrating its impact on protein function have been reported. No submitters have cited clinical-significance assessments for this variant to ClinVar after 2014. Based on the evidence outlined above, the variant was classified as uncertain significance.